The following is an entry in ClinVar:

NM_147127.5(EVC2):c.3573G>A (p.Trp1191Ter)

Gene: EVC2 (EvC ciliary complex subunit 2; minus strand). Cytogenetic location: 4p16.2.
Variant type: single nucleotide variant.
Coding change: c.3573G>A on transcript NM_147127.5 (MANE Select); coding-DNA position 3573, G replaced by A.
Protein change: p.Trp1191Ter; replaces tryptophan 1191 with a stop codon.
Molecular consequence: nonsense.
Genome position (GRCh38, 1-based): chr4:5,565,344, C>T on the plus strand (G>A on the coding strand, the complement: EVC2 is on the minus strand). VCF-style: chr4-5565344-C-T. GRCh37 (hg19) VCF-style: chr4-5567071-C-T.
Other names: c.3333G>A, p.Trp1111Ter (NM_001166136.2); short protein forms W1111*, W1191*.
Identifiers: ClinVar variation 3345796 (VCV003345796.1).
Genomic context (GRCh38, chr4:5,565,344, plus strand): 5'-CATCTTTTCTAATCCTCTGCTTATCAGATCTCCTCGCAGTTTGCCATCTAAGGCTTGCCA[C>T]CAGCTCTGGTGTTTCCTGCAGGCAAGAAGGGAGTCTTATAGTTTCAAAAATACGCCTGTA-3'

ClinVar aggregate classification (germline): Likely pathogenic (0 of 4 stars; one submission).

Conditions:
EVC2-related disorder. Also called: EVC2-related condition.

Submission:

PreventionGenetics, part of Exact Sciences
Classification: Likely pathogenic for EVC2-related condition. Last evaluated: 2024-05-02. Review status: no assertion criteria provided. Collection method: clinical testing. Allele origin: germline.
Comment: The EVC2 c.3573G>A variant is predicted to result in premature protein termination (p.Trp1191*). To our knowledge, this variant has not been reported in the literature or in a large population database, indicating this variant is rare. Nonsense variants in EVC2 are expected to be pathogenic. This variant is interpreted as likely pathogenic.